The following is an entry in ClinVar:

ClinVar aggregate classification (germline): Uncertain significance (1 of 4 stars; one submission).

Conditions:
Hereditary cancer-predisposing syndrome. Also called: Hereditary Cancer Syndrome; Neoplastic Syndromes, Hereditary; Hereditary neoplastic syndrome; Tumor predisposition. Identifiers: Orphanet 140162, MedGen C0027672, MeSH D009386, MONDO:0015356.

Submission:

Ambry Genetics
Classification: Uncertain significance for Hereditary cancer-predisposing syndrome. Last evaluated: 2016-10-19. Review status: criteria provided, single submitter. Criteria: Ambry Variant Classification Scheme 2023. Collection method: clinical testing. Allele origin: germline.
Comment: The p.V291G variant (also known as c.872T>G), located in coding exon 8 of the APC gene, results from a T to G substitution at nucleotide position 872. The valine at codon 291 is replaced by glycine, an amino acid with dissimilar properties. This variant was not reported in population based cohorts in the following databases: Database of Single Nucleotide Polymorphisms (dbSNP), NHLBI Exome Sequencing Project (ESP), and 1000 Genomes Project. In the ESP, this variant was not observed in 6502 samples (13004 alleles) with coverage at this position. To date, this alteration has been detected with an allele frequency of approximately 0.001% (greater than 90000 alleles tested) in our clinical cohort. This amino acid position is not well conserved in available vertebrate species. In addition, in silico predictors for this gene do not accurately predict pathogenicity. Since supporting evidence is limited at this time, the clinical significance of this alteration remains unclear.

NM_000038.6(APC):c.872T>G (p.Val291Gly)

Gene: APC (APC regulator of Wnt signaling pathway; plus strand). Cytogenetic location: 5q22.2.
Variant type: single nucleotide variant.
Coding change: c.872T>G on transcript NM_000038.6 (MANE Select); coding-DNA position 872, T replaced by G.
Protein change: p.Val291Gly; replaces valine 291 with glycine.
Molecular consequence: missense variant.
Genome position (GRCh38, 1-based): chr5:112,815,532, T>G. VCF-style: chr5-112815532-T-G. GRCh37 (hg19) VCF-style: chr5-112151229-T-G.
Other names: c.695T>G, p.Val232Gly (NM_001354901.2, NM_001354900.2, NM_001354905.2); c.902T>G, p.Val301Gly (NM_001354897.2, NM_001354902.2); c.872T>G, p.Val291Gly (NM_001354896.2, NM_001354903.2, NM_001127510.3 and 1 more transcripts); c.797T>G, p.Val266Gly (NM_001354904.2, NM_001354898.2); c.788T>G, p.Val263Gly (NM_001354899.2); c.818T>G, p.Val273Gly (NM_001127511.3); c.23T>G, p.Val8Gly (NM_001354906.2); short protein forms V273G, V291G, V263G, V266G, V8G, V232G, V301G.
Identifiers: ClinVar variation 428180 (VCV000428180.5), dbSNP rs1114167612, ClinGen allele CA16023228.